The following is an entry in ClinVar:

ClinVar aggregate classification (germline): Uncertain significance (1 of 4 stars; one submission).

Conditions:
Torsion dystonia 6 (DYT6). Also called: DYT-THAP1. Identifiers: Orphanet 98806, MedGen C1414216, MONDO:0011264, OMIM 602629.

Submission:

Labcorp Genetics (formerly Invitae), Labcorp
Classification: Uncertain significance for Torsion dystonia 6. Last evaluated: 2025-01-06. Review status: criteria provided, single submitter. Criteria: Invitae Variant Classification Sherloc (09022015). Collection method: clinical testing. Allele origin: germline.
Comment: This sequence change replaces alanine, which is neutral and non-polar, with aspartic acid, which is acidic and polar, at codon 7 of the THAP1 protein (p.Ala7Asp). This variant is not present in population databases (gnomAD no frequency). This missense change has been observed in individual(s) with dystonia (PMID: 22377579). An algorithm developed to predict the effect of missense changes on protein structure and function (PolyPhen-2) suggests that this variant is likely to be disruptive. In summary, the available evidence is currently insufficient to determine the role of this variant in disease. Therefore, it has been classified as a Variant of Uncertain Significance.

Literature cited by the submitters: PubMed 22377579.

NM_018105.3(THAP1):c.20C>A (p.Ala7Asp)

Gene: THAP1 (THAP domain containing 1; minus strand). Cytogenetic location: 8p11.21.
Variant type: single nucleotide variant.
Coding change: c.20C>A on transcript NM_018105.3 (MANE Select); coding-DNA position 20, C replaced by A.
Protein change: p.Ala7Asp; replaces alanine 7 with aspartic acid.
Molecular consequence: missense variant.
Genome position (GRCh38, 1-based): chr8:42,843,075, G>T on the plus strand (C>A on the coding strand, the complement: THAP1 is on the minus strand). VCF-style: chr8-42843075-G-T. GRCh37 (hg19) VCF-style: chr8-42698218-G-T.
Other names: c.20C>A, p.Ala7Asp (NM_199003.2); short protein forms A7D.
Identifiers: ClinVar variation 3720819 (VCV003720819.2).